The following is an entry in ClinVar:

ClinVar aggregate classification (germline): Uncertain significance (1 of 4 stars; one submission).

Conditions:
Fanconi anemia (FA). Also called: Fanconi's anemia. Identifiers: Orphanet 84, MedGen C0015625, MeSH D005199, MONDO:0019391.

Submission:

Labcorp Genetics (formerly Invitae), Labcorp
Classification: Uncertain significance for Fanconi anemia. Last evaluated: 2025-07-16. Review status: criteria provided, single submitter. Criteria: Invitae Variant Classification Sherloc (09022015). Collection method: clinical testing. Allele origin: germline.
Comment: This sequence change replaces tyrosine, which is neutral and polar, with cysteine, which is neutral and slightly polar, at codon 692 of the FANCM protein (p.Tyr692Cys). This variant is not present in population databases (gnomAD no frequency). This variant has not been reported in the literature in individuals affected with FANCM-related conditions. An algorithm developed to predict the effect of missense changes on protein structure and function (PolyPhen-2) suggests that this variant is likely to be disruptive. In summary, the available evidence is currently insufficient to determine the role of this variant in disease. Therefore, it has been classified as a Variant of Uncertain Significance.

NM_020937.4(FANCM):c.2075A>G (p.Tyr692Cys)

Gene: FANCM (FA complementation group M; plus strand). Cytogenetic location: 14q21.2.
Variant type: single nucleotide variant.
Coding change: c.2075A>G on transcript NM_020937.4 (MANE Select); coding-DNA position 2075, A replaced by G.
Protein change: p.Tyr692Cys; replaces tyrosine 692 with cysteine.
Molecular consequence: missense variant.
Genome position (GRCh38, 1-based): chr14:45,170,661, A>G. VCF-style: chr14-45170661-A-G. GRCh37 (hg19) VCF-style: chr14-45639864-A-G.
Other names: c.1997A>G, p.Tyr666Cys (NM_001308133.2); short protein forms Y692C, Y666C.
Identifiers: ClinVar variation 4740189 (VCV004740189.1).